The following is an entry in ClinVar:

ClinVar aggregate classification (germline): Uncertain significance (1 of 4 stars; one submission).

Conditions:
Hereditary cancer-predisposing syndrome. Also called: Hereditary Cancer Syndrome; Hereditary neoplastic syndrome; Neoplastic Syndromes, Hereditary; Tumor predisposition. Identifiers: Orphanet 140162, MedGen C0027672, MeSH D009386, MONDO:0015356.

Submission:

Ambry Genetics
Classification: Uncertain significance for Hereditary cancer-predisposing syndrome. Last evaluated: 2025-05-31. Review status: criteria provided, single submitter. Criteria: Ambry Variant Classification Scheme 2023. Collection method: clinical testing. Allele origin: germline.
Comment: The p.K405E variant (also known as c.1213A>G), located in coding exon 10 of the MRE11A gene, results from an A to G substitution at nucleotide position 1213. The lysine at codon 405 is replaced by glutamic acid, an amino acid with similar properties. This amino acid position is conserved. In addition, the in silico prediction for this alteration is inconclusive. Based on the available evidence, the clinical significance of this variant remains unclear.

NM_005591.4(MRE11):c.1213A>G (p.Lys405Glu)

Gene: MRE11 (MRE11 double strand break repair nuclease; minus strand). Cytogenetic location: 11q21.
Variant type: single nucleotide variant.
Coding change: c.1213A>G on transcript NM_005591.4 (MANE Select); coding-DNA position 1213, A replaced by G.
Protein change: p.Lys405Glu; replaces lysine 405 with glutamic acid.
Molecular consequence: missense variant.
Genome position (GRCh38, 1-based): chr11:94,464,125, T>C on the plus strand (A>G on the coding strand, the complement: MRE11 is on the minus strand). VCF-style: chr11-94464125-T-C. GRCh37 (hg19) VCF-style: chr11-94197291-T-C.
Other names: c.1213A>G, p.Lys405Glu (NM_001330347.2, NM_005590.4); short protein forms K405E.
Identifiers: ClinVar variation 3912890 (VCV003912890.1).
Genomic context (GRCh38, chr11:94,464,125, plus strand): 5'-CAAATCCTATAAGAACATTTTTTTACCTCATAAAAATAACTAGCTTACCTGTTTTTTCCT[T>C]TTGTTCTCTATGCCTGAAAAAATGGATAATGTCTTTTGGATTAGCTACCCGATCCACAAA-3'
Protein context (NP_005582.1, residues 395-415): IIHFFRHREQ[Lys405Glu]EKTGEEINFG